The following is an entry in ClinVar:

ClinVar aggregate classification (germline): Pathogenic/Likely pathogenic. Review status: criteria provided, multiple submitters, no conflicts (2 of 4 stars). 2 submissions from 2 submitters: Pathogenic (1); Likely pathogenic (1). Last evaluated 2023-10-05.

Conditions:
Long chain 3-hydroxyacyl-CoA dehydrogenase deficiency. Also called: LCHAD Deficiency; Deficiency of long-chain 3-hydroxyacyl-coenzyme A dehydrogenase. Identifiers: Orphanet 5, MedGen C3711645, MONDO:0012173, OMIM 609016.
Mitochondrial trifunctional protein deficiency. Identifiers: Orphanet 746, MedGen C1969443, MONDO:0012172.

Submissions (2):

Baylor Genetics
Classification: Likely pathogenic for Long chain 3-hydroxyacyl-CoA dehydrogenase deficiency. Last evaluated: 2023-10-05. Review status: criteria provided, single submitter. Criteria: ACMG Guidelines, 2015. Collection method: clinical testing. Allele origin: unknown.

Labcorp Genetics (formerly Invitae), Labcorp
Classification: Pathogenic for Mitochondrial trifunctional protein deficiency; Long chain 3-hydroxyacyl-CoA dehydrogenase deficiency. Last evaluated: 2023-08-18. Review status: criteria provided, single submitter. Criteria: Invitae Variant Classification Sherloc (09022015). Collection method: clinical testing. Allele origin: germline.
Comment: For these reasons, this variant has been classified as Pathogenic. This variant has not been reported in the literature in individuals affected with HADHA-related conditions. This variant is not present in population databases (gnomAD no frequency). This sequence change creates a premature translational stop signal (p.Thr517Leufs*10) in the HADHA gene. It is expected to result in an absent or disrupted protein product. Loss-of-function variants in HADHA are known to be pathogenic (PMID: 7738175, 21103935, 21549624, 22459206).

Literature cited by the submitters: PubMed 7738175 (cited by Labcorp Genetics (formerly Invitae), Labcorp); PubMed 21103935 (cited by Labcorp Genetics (formerly Invitae), Labcorp); PubMed 21549624 (cited by Labcorp Genetics (formerly Invitae), Labcorp); PubMed 22459206 (cited by Labcorp Genetics (formerly Invitae), Labcorp).

NM_000182.5(HADHA):c.1549del (p.Thr517fs)

Genes: HADHA (hydroxyacyl-CoA dehydrogenase trifunctional multienzyme complex subunit alpha; minus strand), GAREM2 (GRB2 associated regulator of MAPK1 subtype 2; plus strand). Cytogenetic location: 2p23.3.
Variant type: Deletion.
Coding change: c.1549del on transcript NM_000182.5 (MANE Select); coding-DNA position 1549, one base deleted (A; older notation c.1549delA).
Protein change: p.Thr517fs; shifts the reading frame from threonine 517.
Molecular consequence: frameshift variant.
Genome position (GRCh38, 1-based): chr2:26,195,163, T deleted on the plus strand (A on the coding strand, the reverse complement: HADHA is on the minus strand); the first of 4 consecutive T bases (chr2:26,195,163-26,195,166); deleting any one gives the same sequence. VCF-style (leftmost placement, unchanged base first): chr2-26195162-GT-G. GRCh37 (hg19) VCF-style: chr2-26418031-GT-G.
Other names: short protein forms T517fs.
Identifiers: ClinVar variation 2675963 (VCV002675963.4), dbSNP rs2465517597, ClinGen allele CA2695200439.